The following is an entry in ClinVar:

ClinVar aggregate classification (germline): Uncertain significance. Review status: criteria provided, multiple submitters, no conflicts (2 of 4 stars). 2 submissions from 2 submitters: Uncertain significance (2). Last evaluated 2023-09-12.

Conditions:
Inborn genetic diseases. Identifiers: MedGen C0950123, MeSH D030342.

Allele frequency attached by ClinVar (database versions not stated): gnomAD exomes below 0.00001 and 0.00002; ExAC 0.00001; gnomAD 0.00003 and 0.00004; TOPMed 0.00003.
gnomAD v4.1: 28 of 1,613,690 alleles (0.0017%); highest among the groups gnomAD compares: Non-Finnish European, 0.002%; no homozygotes.

Submissions (2):

Ambry Genetics
Classification: Uncertain significance for Inborn genetic diseases. Last evaluated: 2023-09-12. Review status: criteria provided, single submitter. Criteria: Ambry Variant Classification Scheme 2023. Collection method: clinical testing. Allele origin: germline.

Labcorp Genetics (formerly Invitae), Labcorp
Classification: Uncertain significance. Last evaluated: 2021-08-25. Review status: criteria provided, single submitter. Criteria: Invitae Variant Classification Sherloc (09022015). Collection method: clinical testing. Allele origin: germline.
Comment: This sequence change replaces arginine with tryptophan at codon 395 of the OBSL1 protein (p.Arg395Trp). The arginine residue is moderately conserved and there is a moderate physicochemical difference between arginine and tryptophan. This variant is present in population databases (rs780094050, ExAC 0.002%). This variant has not been reported in the literature in individuals affected with OBSL1-related conditions. Algorithms developed to predict the effect of missense changes on protein structure and function are either unavailable or do not agree on the potential impact of this missense change (SIFT: "Deleterious"; PolyPhen-2: "Probably Damaging"; Align-GVGD: "Class C0"). In summary, the available evidence is currently insufficient to determine the role of this variant in disease. Therefore, it has been classified as a Variant of Uncertain Significance.

NM_015311.3(OBSL1):c.1183C>T (p.Arg395Trp)

Gene: OBSL1 (obscurin like cytoskeletal adaptor 1; minus strand). Cytogenetic location: 2q35.
Variant type: single nucleotide variant.
Coding change: c.1183C>T on transcript NM_015311.3 (MANE Select); coding-DNA position 1183, C replaced by T.
Protein change: p.Arg395Trp; replaces arginine 395 with tryptophan.
Molecular consequence: missense variant.
Genome position (GRCh38, 1-based): chr2:219,568,154, G>A on the plus strand (C>T on the coding strand, the complement: OBSL1 is on the minus strand). VCF-style: chr2-219568154-G-A. GRCh37 (hg19) VCF-style: chr2-220432876-G-A.
Other names: c.1183C>T, p.Arg395Trp (NM_001173408.2, NM_001173431.2); c.1183C>T (NM_015311.2); short protein forms R395W.
Identifiers: ClinVar variation 1413245 (VCV001413245.4), dbSNP rs780094050, ClinGen allele CA2131616.